The following is an entry in ClinVar:

ClinVar aggregate classification (germline): Uncertain significance (1 of 4 stars; one submission).

Conditions:
Tuberous sclerosis 1 (TSC1). Identifiers: Orphanet 805, MedGen C1854465, MONDO:0008612, OMIM 191100.

Submission:

Labcorp Genetics (formerly Invitae), Labcorp
Classification: Uncertain significance for Tuberous sclerosis 1. Last evaluated: 2017-09-08. Review status: criteria provided, single submitter. Criteria: Invitae Variant Classification Sherloc (09022015). Collection method: clinical testing. Allele origin: germline.
Comment: This sequence change falls in intron 9 of the TSC1 gene. It does not directly change the encoded amino acid sequence of the TSC1 protein, but it affects a nucleotide within the consensus splice site of the intron. This variant is not present in population databases (ExAC no frequency). This variant has not been reported in the literature in individuals with TSC1-related disease. Nucleotide substitutions within the consensus splice site are a relatively common cause of aberrant splicing (PMID: 17576681, 9536098). Algorithms developed to predict the effect of sequence changes on RNA splicing suggest that this variant may disrupt the consensus splice site, but this prediction has not been confirmed by published transcriptional studies. In summary, the available evidence is currently insufficient to determine the role of this variant in disease. Therefore, it has been classified as a Variant of Uncertain Significance.

Literature cited by the submitters: PubMed 17576681; PubMed 9536098.

NM_000368.5(TSC1):c.913+4A>C

Gene: TSC1 (TSC complex subunit 1; minus strand). Cytogenetic location: 9q34.13.
Variant type: single nucleotide variant.
Coding change: c.913+4A>C on transcript NM_000368.5 (MANE Select); 4 bases into the intron after coding-DNA position 913, A replaced by C.
Molecular consequence: intron variant.
Genome position (GRCh38, 1-based): chr9:132,912,278, T>G on the plus strand (A>C on the coding strand, the complement: TSC1 is on the minus strand). VCF-style: chr9-132912278-T-G. GRCh37 (hg19) VCF-style: chr9-135787665-T-G.
Other names: c.550+4A>C (NM_001362177.2); c.760+4A>C (NM_001162427.2); c.913+4A>C (NM_001162426.2).
Identifiers: ClinVar variation 534422 (VCV000534422.7), dbSNP rs1178304676, ClinGen allele CA658797331.